The following is an entry in ClinVar:

NM_001003841.3(SLC6A19):c.1605C>T (p.Arg535=)

Gene: SLC6A19 (solute carrier family 6 member 19; plus strand). Cytogenetic location: 5p15.33.
Variant type: single nucleotide variant.
Coding change: c.1605C>T on transcript NM_001003841.3 (MANE Select); coding-DNA position 1605, C replaced by T.
Protein change: p.Arg535=; no amino-acid change (arginine 535 retained).
Molecular consequence: synonymous variant.
Genome position (GRCh38, 1-based): chr5:1,221,217, C>T. VCF-style: chr5-1221217-C-T. GRCh37 (hg19) VCF-style: chr5-1221332-C-T.
Other names: p.Arg535=.
Identifiers: ClinVar variation 4684826 (VCV004684826.1).

ClinVar aggregate classification (germline): Likely benign (1 of 4 stars; one submission).

gnomAD v4.1: 11 of 1,614,036 alleles (0.00068%); highest among the groups gnomAD compares: African/African-American, 0.011%; no homozygotes.

Submission:

Mayo Clinic Laboratories, Mayo Clinic
Classification: Likely benign. Last evaluated: 2025-12-06. Review status: criteria provided, single submitter. Criteria: ACMG Guidelines, 2015. Collection method: clinical testing. Allele origin: germline. Observed: 1 variant allele.
Comment: BP4, BP7